The following is an entry in ClinVar:

NM_000343.4(SLC5A1):c.1642A>T (p.Thr548Ser)

Gene: SLC5A1 (solute carrier family 5 member 1; plus strand). Cytogenetic location: 22q12.3.
Variant type: single nucleotide variant.
Coding change: c.1642A>T on transcript NM_000343.4 (MANE Select); coding-DNA position 1642, A replaced by T.
Protein change: p.Thr548Ser; replaces threonine 548 with serine.
Molecular consequence: missense variant.
Genome position (GRCh38, 1-based): chr22:32,102,214, A>T. VCF-style: chr22-32102214-A-T. GRCh37 (hg19) VCF-style: chr22-32498201-A-T.
Other names: c.1261A>T, p.Thr421Ser (NM_001256314.2); short protein forms T421S, T548S.
Identifiers: ClinVar variation 1407678 (VCV001407678.6), dbSNP rs945722283, ClinGen allele CA323383598.

ClinVar aggregate classification (germline): Uncertain significance. Review status: criteria provided, multiple submitters, no conflicts (2 of 4 stars). 2 submissions from 2 submitters: Uncertain significance (2). Last evaluated 2022-01-11.

Conditions:
Congenital glucose-galactose malabsorption (GGM). Also called: DIARRHEA 16; MONOSACCHARIDE MALABSORPTION. Identifiers: Orphanet 35710, MedGen C0268186, MONDO:0011731, OMIM 606824.

Allele frequency attached by ClinVar (database versions not stated): gnomAD 0.00001; TOPMed 0.00001.

Submissions (2):

Labcorp Genetics (formerly Invitae), Labcorp
Classification: Uncertain significance for Congenital glucose-galactose malabsorption. Last evaluated: 2022-01-11. Review status: criteria provided, single submitter. Criteria: Invitae Variant Classification Sherloc (09022015). Collection method: clinical testing. Allele origin: germline.
Comment: In summary, the available evidence is currently insufficient to determine the role of this variant in disease. Therefore, it has been classified as a Variant of Uncertain Significance. Algorithms developed to predict the effect of missense changes on protein structure and function (SIFT, PolyPhen-2, Align-GVGD) all suggest that this variant is likely to be disruptive. This variant has not been reported in the literature in individuals affected with SLC5A1-related conditions. This variant is not present in population databases (gnomAD no frequency). This sequence change replaces threonine, which is neutral and polar, with serine, which is neutral and polar, at codon 548 of the SLC5A1 protein (p.Thr548Ser).

Fulgent Genetics
Classification: Uncertain significance for Congenital glucose-galactose malabsorption. Last evaluated: 2021-09-15. Review status: criteria provided, single submitter. Criteria: ACMG Guidelines, 2015. Collection method: clinical testing. Allele origin: unknown.